The following is an entry in ClinVar:

NM_016333.4(SRRM2):c.2387G>C (p.Arg796Pro)

Gene: SRRM2 (serine/arginine repetitive matrix 2; plus strand). Cytogenetic location: 16p13.3.
Variant type: single nucleotide variant.
Coding change: c.2387G>C on transcript NM_016333.4 (MANE Select); coding-DNA position 2387, G replaced by C.
Protein change: p.Arg796Pro; replaces arginine 796 with proline.
Molecular consequence: missense variant.
Genome position (GRCh38, 1-based): chr16:2,762,915, G>C. VCF-style: chr16-2762915-G-C. GRCh37 (hg19) VCF-style: chr16-2812916-G-C.
Other names: short protein forms R796P.
Identifiers: ClinVar variation 3361892 (VCV003361892.1).

ClinVar aggregate classification (germline): Uncertain significance (1 of 4 stars; one submission).

Submission:

GeneDx
Classification: Uncertain significance. Last evaluated: 2023-08-07. Review status: criteria provided, single submitter. Criteria: GeneDx Variant Classification Process June 2021. Collection method: clinical testing. Allele origin: germline. Affected: yes.
Comment: Not observed at significant frequency in large population cohorts (gnomAD); In silico analysis supports that this missense variant does not alter protein structure/function; Has not been previously published as pathogenic or benign to our knowledge